The following is an entry in ClinVar:

ClinVar aggregate classification (germline): Likely benign (1 of 4 stars; one submission).

Conditions:
GCNT2-related disorder. Also called: GCNT2-related condition.

gnomAD v4.1: 18 of 1,613,988 alleles (0.0011%); highest among the groups gnomAD compares: Non-Finnish European, 0.0014%; no homozygotes.

Submission:

PreventionGenetics, part of Exact Sciences
Classification: Likely benign for GCNT2-related condition. Last evaluated: 2025-07-31. Review status: criteria provided, single submitter. Criteria: ACMG Guidelines, 2015. Collection method: clinical testing. Allele origin: germline.
Comment: This variant is classified as likely benign based on ACMG/AMP sequence variant interpretation guidelines (Richards et al. 2015 PMID: 25741868, with internal and published modifications).

NM_145649.5(GCNT2):c.926-34597A>G

Gene: GCNT2 (glucosaminyl (N-acetyl) transferase 2 (I blood group); plus strand). Cytogenetic location: 6p24.3.
Variant type: single nucleotide variant.
Coding change: c.926-34597A>G on transcript NM_145649.5 (MANE Select); 34597 bases into the intron before coding-DNA position 926, A replaced by G.
Molecular consequence: intron variant. On other transcripts: synonymous variant (1).
Genome position (GRCh38, 1-based): chr6:10,586,754, A>G. VCF-style: chr6-10586754-A-G. GRCh37 (hg19) VCF-style: chr6-10586987-A-G.
Other names: c.765A>G, p.Pro255= (NM_145655.4); c.926-34597A>G (NM_001374747.1); c.919+29412A>G (NM_001491.3).
Identifiers: ClinVar variation 4978680 (VCV004978680.1).